The following is an entry in ClinVar:

NM_000051.4(ATM):c.3994-7C>T

Gene: ATM (ATM serine/threonine kinase; plus strand). Cytogenetic location: 11q22.3.
Variant type: single nucleotide variant.
Coding change: c.3994-7C>T on transcript NM_000051.4 (MANE Select); 7 bases into the intron before coding-DNA position 3994, C replaced by T.
Molecular consequence: intron variant.
Genome position (GRCh38, 1-based): chr11:108,287,593, C>T. VCF-style: chr11-108287593-C-T. GRCh37 (hg19) VCF-style: chr11-108158320-C-T.
Other names: p.?; c.3994-7C>T (NM_001351834.2).
Identifiers: ClinVar variation 414540 (VCV000414540.23), dbSNP rs769346400, ClinGen allele CA16613336.

ClinVar aggregate classification (germline): Benign/Likely benign. Review status: criteria provided, multiple submitters, no conflicts (2 of 4 stars). 9 submissions from 9 submitters: Benign (1); Likely benign (8). Last evaluated 2026-01-28.

Conditions:
ATM-related disorder. Also called: ATM-related disorders; ATM-related condition.
Hereditary cancer-predisposing syndrome. Also called: Hereditary Cancer Syndrome; Tumor predisposition; Hereditary neoplastic syndrome; Neoplastic Syndromes, Hereditary. Identifiers: Orphanet 140162, MedGen C0027672, MeSH D009386, MONDO:0015356.
Ataxia-telangiectasia syndrome (AT). Also called: ATAXIA-TELANGIECTASIA, COMPLEMENTATION GROUP A; ATAXIA-TELANGIECTASIA, FRESNO VARIANT; Ataxia-telangiectasia; Ataxia-telangiectasia, complementation group E; LOUIS-BAR SYNDROME; Cerebello-oculocutaneous telangiectasia. Identifiers: Orphanet 100, MedGen C0004135, MONDO:0008840, OMIM 208900.
Familial cancer of breast. Also called: Hereditary breast cancer; hereditary breast carcinoma; BREAST CANCER, FAMILIAL. Identifiers: Orphanet 227535, MedGen C0346153, MONDO:0016419, OMIM 114480. Disease mechanism: loss of function.

Allele frequency attached by ClinVar (database versions not stated): gnomAD exomes 0.00001; TOPMed 0.00002; gnomAD 0.00003 and 0.00004.
gnomAD v4.1: 37 of 1,572,004 alleles (0.0024%); highest among the groups gnomAD compares: Non-Finnish European, 0.0032%; no homozygotes.

Submissions (9):

Labcorp Genetics (formerly Invitae), Labcorp
Classification: Likely benign for Ataxia-telangiectasia syndrome. Last evaluated: 2026-01-28. Review status: criteria provided, single submitter. Criteria: Invitae Variant Classification Sherloc (09022015). Collection method: clinical testing. Allele origin: germline.

PreventionGenetics, part of Exact Sciences
Classification: Likely benign for ATM-related condition. Last evaluated: 2025-10-16. Review status: criteria provided, single submitter. Criteria: ACMG Guidelines, 2015. Collection method: clinical testing. Allele origin: germline.
Comment: This variant is classified as likely benign based on ACMG/AMP sequence variant interpretation guidelines (Richards et al. 2015 PMID: 25741868, with internal and published modifications).

Women's Health and Genetics/Laboratory Corporation of America, LabCorp
Classification: Likely benign. Last evaluated: 2025-08-25. Review status: criteria provided, single submitter. Criteria: LabCorp Variant Classification Summary - May 2015. Collection method: clinical testing. Allele origin: germline.
Comment: Variant summary: ATM c.3994-7C>T alters a conserved nucleotide located at a position not widely known to affect splicing. Consensus agreement among computation tools predict no significant impact on normal splicing. However, these predictions have yet to be confirmed by functional studies. The variant allele was found at a frequency of 8.1e-06 in 247826 control chromosomes. The available data on variant occurrences in the general population are insufficient to allow any conclusion about variant significance. c.3994-7C>T has been observed in individual(s) affected with Bronchiectasi, thrombocytopenia and splenomegaly, without strong evidence for causality (Hargreaves_2021). These report(s) do not provide unequivocal conclusions about association of the variant with Ataxia-telangiectasia syndrome. To our knowledge, no experimental evidence demonstrating an impact on protein function has been reported. The following publication has been ascertained in the context of this evaluation (PMID: 34009545). ClinVar contains an entry for this variant (Variation ID: 414540). Based on the evidence outlined above, the variant was classified as likely benign.

Mayo Clinic Laboratories, Mayo Clinic
Classification: Likely benign. Last evaluated: 2025-07-10. Review status: criteria provided, single submitter. Criteria: ACMG Guidelines, 2015. Collection method: clinical testing. Allele origin: germline. Observed: 1 variant allele.
Comment: BP4, BP7

Department of Pathology and Laboratory Medicine, Sinai Health System
Classification: Likely benign for Familial cancer of breast; Ataxia-telangiectasia syndrome. Last evaluated: 2024-12-06. Review status: criteria provided, single submitter. Criteria: ACMG Guidelines, 2015. Collection method: clinical testing. Allele origin: germline.

Myriad Genetics, Inc.
Classification: Likely benign for Familial cancer of breast. Last evaluated: 2024-05-16. Review status: criteria provided, single submitter. Criteria: Myriad Autosomal Dominant, Autosomal Recessive and X-Linked Classification Criteria (2023). Collection method: clinical testing. Allele origin: unknown.
Comment: This variant is considered likely benign. This variant is intronic and is not expected to impact mRNA splicing.

Sema4
Classification: Likely benign for Hereditary cancer-predisposing syndrome. Last evaluated: 2021-01-29. Review status: criteria provided, single submitter. Criteria: Sema4 Curation Guidelines. Collection method: curation. Allele origin: germline.

Color Diagnostics, LLC DBA Color Health
Classification: Likely benign for Hereditary cancer-predisposing syndrome. Last evaluated: 2015-10-29. Review status: criteria provided, single submitter. Criteria: ACMG Guidelines, 2015. Collection method: clinical testing. Allele origin: germline.

GeneDx
Classification: Benign. Last evaluated: 2015-03-03. Review status: criteria provided, single submitter. Criteria: GeneDx Variant Classification Process June 2021. Collection method: clinical testing. Allele origin: germline. Affected: yes.

Literature cited by the submitters: PubMed 34009545 (cited by Women's Health and Genetics/Laboratory Corporation of America, LabCorp and Mayo Clinic Laboratories, Mayo Clinic).